The following is an entry in ClinVar:

NM_001048174.2(MUTYH):c.1067_1069del (p.Gly356del)

Gene: MUTYH (mutY DNA glycosylase; minus strand). Cytogenetic location: 1p34.1.
Variant type: Deletion.
Coding change: c.1067_1069del on transcript NM_001048174.2 (MANE Select); coding-DNA positions 1067 to 1069, 3 bases deleted (GGG; older notation c.1067_1069delGGG).
Protein change: p.Gly356del; deletes glycine 356.
Molecular consequence: non-coding transcript variant (on NR_146882.2).
Genome position (GRCh38, 1-based): chr1:45,331,694-45,331,696, CCC deleted on the plus strand (GGG on the coding strand, the reverse complement: MUTYH is on the minus strand); deleting any 3 consecutive bases within chr1:45,331,694-45,331,697 gives the same sequence; the c. name uses the placement nearest the transcript's 3' end. VCF-style (leftmost placement, unchanged base first): chr1-45331693-GCCC-G. GRCh37 (hg19) VCF-style: chr1-45797365-GCCC-G.
Other names: c.1088_1090del, p.Gly363del (NM_001407087.1); c.1067_1069del, p.Gly356del (NM_001407088.1, NM_001407089.1, NM_001048171.2 and 6 more transcripts); c.791_793del, p.Gly264del (NM_001407091.1, NM_001293192.2, NM_001293196.2); c.1142_1144del, p.Gly381del (NM_012222.3); c.1070_1072del, p.Gly357del (NM_001048172.2, NM_001407071.1, NM_001407078.1 and 1 more transcripts); c.1151_1153del, p.Gly384del (NM_001128425.2); c.1112_1114del, p.Gly371del (NM_001293190.2); c.1100_1102del, p.Gly367del (NM_001293191.2, NM_001407069.1, NM_001407077.1); and 5 more; short protein forms G241del, G264del, G328del, G342del, G343del, G356del, G357del, G363del.
Identifiers: ClinVar variation 4808389 (VCV004808389.1).

ClinVar aggregate classification (germline): Uncertain significance (1 of 4 stars; one submission).

Conditions:
Familial adenomatous polyposis 2. Also called: COLORECTAL ADENOMATOUS POLYPOSIS, AUTOSOMAL RECESSIVE; ADENOMAS, MULTIPLE COLORECTAL, AUTOSOMAL RECESSIVE; FAP type 2; MUTYH Polyposis; MYH-associated polyposis; Adenomas, multiple colorectal. Identifiers: Orphanet 220460, Orphanet 247798, MedGen C3272841, MONDO:0012041, OMIM 608456.

Submission:

Labcorp Genetics (formerly Invitae), Labcorp
Classification: Uncertain significance for Familial adenomatous polyposis 2. Last evaluated: 2025-03-09. Review status: criteria provided, single submitter. Criteria: Invitae Variant Classification Sherloc (09022015). Collection method: clinical testing. Allele origin: germline.
Comment: This variant, c.1151_1153del, results in the deletion of 1 amino acid(s) of the MUTYH protein (p.Gly384del), but otherwise preserves the integrity of the reading frame. This variant is not present in population databases (gnomAD no frequency). This variant has not been reported in the literature in individuals affected with MUTYH-related conditions. Experimental studies and prediction algorithms are not available or were not evaluated, and the functional significance of this variant is currently unknown. In summary, the available evidence is currently insufficient to determine the role of this variant in disease. Therefore, it has been classified as a Variant of Uncertain Significance.